The following is an entry in ClinVar:

NM_001166108.2(PALLD):c.3226A>T (p.Met1076Leu)

Genes: CBR4 (carbonyl reductase 4; minus strand), PALLD (palladin, cytoskeletal associated protein; plus strand). Cytogenetic location: 4q32.3.
Variant type: single nucleotide variant.
Coding change: c.3226A>T on transcript NM_001166108.2 (MANE Select); coding-DNA position 3226, A replaced by T.
Protein change: p.Met1076Leu; replaces methionine 1076 with leucine.
Molecular consequence: missense variant.
Genome position (GRCh38, 1-based): chr4:168,924,946, A>T. VCF-style: chr4-168924946-A-T. GRCh37 (hg19) VCF-style: chr4-169846097-A-T.
Other names: c.2029A>T, p.Met677Leu (NM_001166109.2); c.1714A>T, p.Met572Leu (NM_001166110.2); c.1054A>T, p.Met352Leu (NM_001367567.1, NM_001367569.1); c.1105A>T, p.Met369Leu (NM_001367568.1, NM_001367570.1); c.3175A>T, p.Met1059Leu (NM_016081.4); short protein forms M352L, M369L, M1059L, M1076L, M677L, M572L.
Identifiers: ClinVar variation 3885329 (VCV003885329.1).

ClinVar aggregate classification (germline): Uncertain significance (1 of 4 stars; one submission).

Submission:

Ambry Genetics
Classification: Uncertain significance. Last evaluated: 2025-02-05. Review status: criteria provided, single submitter. Criteria: Ambry Variant Classification Scheme 2023. Collection method: clinical testing. Allele origin: germline.
Comment: The p.M572L variant (also known as c.1714A>T), located in coding exon 10 of the PALLD gene, results from an A to T substitution at nucleotide position 1714. The methionine at codon 572 is replaced by leucine, an amino acid with highly similar properties. This amino acid position is conserved. In addition, this alteration is predicted to be tolerated by in silico analysis. Based on the available evidence, the clinical significance of this variant remains unclear.